The following is an entry in ClinVar:

ClinVar aggregate classification (germline): Uncertain significance (1 of 4 stars; one submission).

Submission:

GeneDx
Classification: Uncertain significance. Last evaluated: 2019-05-08. Review status: criteria provided, single submitter. Criteria: GeneDx Variant Classification Process June 2021. Collection method: clinical testing. Allele origin: germline. Affected: yes.
Comment: Not observed in large population cohorts (Lek et al., 2016); In silico analysis, which includes protein predictors and evolutionary conservation, supports a deleterious effect; Has not been previously published as pathogenic or benign to our knowledge

NM_006514.4(SCN10A):c.4877T>C (p.Met1626Thr)

Gene: SCN10A (sodium voltage-gated channel alpha subunit 10; minus strand). Cytogenetic location: 3p22.2.
Variant type: single nucleotide variant.
Coding change: c.4877T>C on transcript NM_006514.4 (MANE Select); coding-DNA position 4877, T replaced by C.
Protein change: p.Met1626Thr; replaces methionine 1626 with threonine.
Molecular consequence: missense variant.
Genome position (GRCh38, 1-based): chr3:38,698,343, A>G on the plus strand (T>C on the coding strand, the complement: SCN10A is on the minus strand). VCF-style: chr3-38698343-A-G. GRCh37 (hg19) VCF-style: chr3-38739834-A-G.
Other names: c.4874T>C, p.Met1625Thr (NM_001293306.2); c.4583T>C, p.Met1528Thr (NM_001293307.2); short protein forms M1528T, M1625T, M1626T.
Identifiers: ClinVar variation 1302919 (VCV001302919.2), dbSNP rs2125980278, ClinGen allele CA352155296.
Genomic context (GRCh38, chr3:38,698,343, plus strand): 5'-GTCTGGAAGTTGAACATGTCGTCGATGCCAGCCTCCCACCTCACATGGGGAAAGCTGGAC[A>G]TACCGAAGATAGAGTAGATGAACATGACAAGGAATAGCAACAGCCCGATGTTGAAGAGGG-3'
Protein context (NP_006505.4, residues 1616-1636): LVMFIYSIFG[Met1626Thr]SSFPHVRWEA